The following is an entry in ClinVar:

ClinVar aggregate classification (germline): Uncertain significance (1 of 4 stars; one submission).

Conditions:
Hypertrophic cardiomyopathy. Also called: HYPERTROPHIC MYOCARDIOPATHY. Identifiers: Orphanet 217569, MedGen C0007194, MeSH D002312, MONDO:0005045, HP:0001639.

gnomAD v4.1: 4 of 1,613,394 alleles (0.00025%); highest among the groups gnomAD compares: Non-Finnish European, 0.00034%; no homozygotes.

Submission:

Labcorp Genetics (formerly Invitae), Labcorp
Classification: Uncertain significance for Hypertrophic cardiomyopathy. Last evaluated: 2025-06-11. Review status: criteria provided, single submitter. Criteria: Invitae Variant Classification Sherloc (09022015). Collection method: clinical testing. Allele origin: germline.
Comment: This sequence change replaces lysine, which is basic and polar, with glutamine, which is neutral and polar, at codon 182 of the MYOM1 protein (p.Lys182Gln). This variant is not present in population databases (gnomAD no frequency). This variant has not been reported in the literature in individuals affected with MYOM1-related conditions. ClinVar contains an entry for this variant (Variation ID: 569368). An algorithm developed to predict the effect of missense changes on protein structure and function (PolyPhen-2) suggests that this variant is likely to be disruptive. In summary, the available evidence is currently insufficient to determine the role of this variant in disease. Therefore, it has been classified as a Variant of Uncertain Significance.

NM_003803.4(MYOM1):c.544A>C (p.Lys182Gln)

Gene: MYOM1 (myomesin 1; minus strand). Cytogenetic location: 18p11.31.
Variant type: single nucleotide variant.
Coding change: c.544A>C on transcript NM_003803.4 (MANE Select); coding-DNA position 544, A replaced by C.
Protein change: p.Lys182Gln; replaces lysine 182 with glutamine.
Molecular consequence: missense variant.
Genome position (GRCh38, 1-based): chr18:3,188,975, T>G on the plus strand (A>C on the coding strand, the complement: MYOM1 is on the minus strand). VCF-style: chr18-3188975-T-G. GRCh37 (hg19) VCF-style: chr18-3188973-T-G.
Other names: c.544A>C, p.Lys182Gln (NM_019856.2); short protein forms K182Q.
Identifiers: ClinVar variation 569368 (VCV000569368.8), dbSNP rs1567958675, ClinGen allele CA401716866.